The following is an entry in ClinVar:

NM_000455.5(STK11):c.356A>G (p.Asn119Ser)

Gene: STK11 (serine/threonine kinase 11; plus strand). Cytogenetic location: 19p13.3.
Variant type: single nucleotide variant.
Coding change: c.356A>G on transcript NM_000455.5 (MANE Select); coding-DNA position 356, A replaced by G.
Protein change: p.Asn119Ser; replaces asparagine 119 with serine.
Molecular consequence: missense variant.
Genome position (GRCh38, 1-based): chr19:1,218,482, A>G. VCF-style: chr19-1218482-A-G. GRCh37 (hg19) VCF-style: chr19-1218481-A-G.
Other names: c.356A>G, p.Asn119Ser (NM_001407255.1); short protein forms N119S.
Identifiers: ClinVar variation 1936876 (VCV001936876.9), dbSNP rs2145420809, ClinGen allele CA402947847.
Genomic context (GRCh38, chr19:1,218,482, plus strand): 5'-TTCAACTACTGAGGAGGTTACGGCACAAAAATGTCATCCAGCTGGTGGATGTGTTATACA[A>G]CGAAGAGAAGCAGAAAATATATCCTTTCCGGTGTTGGGACCGCGGGGCCTCCGTGGGAGG-3'
Protein context (NP_000446.1, residues 109-129): NVIQLVDVLY[Asn119Ser]EEKQKMYMVM

ClinVar aggregate classification (germline): Conflicting classifications of pathogenicity. Review status: criteria provided, conflicting classifications (1 of 4 stars). 3 submissions from 3 submitters: Uncertain significance (2); Likely benign (1). Last evaluated 2025-02-25.

Conditions:
Peutz-Jeghers syndrome (PJS). Also called: Peutz-Jeghers polyposis; Periorificial lentiginosis syndrome; POLYPOSIS, HAMARTOMATOUS INTESTINAL; POLYPS-AND-SPOTS SYNDROME. Identifiers: Orphanet 2869, MedGen C0031269, MeSH D010580, MONDO:0008280, OMIM 175200.
Hereditary cancer-predisposing syndrome. Also called: Neoplastic Syndromes, Hereditary; Hereditary neoplastic syndrome; Tumor predisposition; Hereditary Cancer Syndrome. Identifiers: Orphanet 140162, MedGen C0027672, MeSH D009386, MONDO:0015356.

Allele frequency attached by ClinVar (database versions not stated): gnomAD exomes below 0.00001.

Submissions (3):

Ambry Genetics
Classification: Likely benign for Hereditary cancer-predisposing syndrome. Last evaluated: 2025-02-25. Review status: criteria provided, single submitter. Criteria: Ambry Variant Classification Scheme 2023. Collection method: clinical testing. Allele origin: germline.

GeneDx
Classification: Uncertain significance. Last evaluated: 2024-06-18. Review status: criteria provided, single submitter. Criteria: GeneDx Variant Classification Process June 2021. Collection method: clinical testing. Allele origin: germline. Affected: yes.
Comment: Not observed at significant frequency in large population cohorts (gnomAD); In silico analysis supports that this missense variant has a deleterious effect on protein structure/function; Has not been previously published as pathogenic or benign to our knowledge; This variant is associated with the following publications: (PMID: 15863673)

Labcorp Genetics (formerly Invitae), Labcorp
Classification: Uncertain significance for Peutz-Jeghers syndrome. Last evaluated: 2024-04-24. Review status: criteria provided, single submitter. Criteria: Invitae Variant Classification Sherloc (09022015). Collection method: clinical testing. Allele origin: germline.
Comment: This sequence change replaces asparagine, which is neutral and polar, with serine, which is neutral and polar, at codon 119 of the STK11 protein (p.Asn119Ser). This variant is not present in population databases (gnomAD no frequency). This variant has not been reported in the literature in individuals affected with STK11-related conditions. ClinVar contains an entry for this variant (Variation ID: 1936876). Advanced modeling of protein sequence and biophysical properties (such as structural, functional, and spatial information, amino acid conservation, physicochemical variation, residue mobility, and thermodynamic stability) has been performed at Invitae for this missense variant, however the output from this modeling did not meet the statistical confidence thresholds required to predict the impact of this variant on STK11 protein function. In summary, the available evidence is currently insufficient to determine the role of this variant in disease. Therefore, it has been classified as a Variant of Uncertain Significance.